The following is an entry in ClinVar:

NM_005630.3(SLCO2A1):c.1742T>G (p.Ile581Ser)

Gene: SLCO2A1 (solute carrier organic anion transporter family member 2A1; minus strand). Cytogenetic location: 3q22.1.
Variant type: single nucleotide variant.
Coding change: c.1742T>G on transcript NM_005630.3 (MANE Select); coding-DNA position 1742, T replaced by G.
Protein change: p.Ile581Ser; replaces isoleucine 581 with serine.
Molecular consequence: missense variant.
Genome position (GRCh38, 1-based): chr3:133,935,846, A>C on the plus strand (T>G on the coding strand, the complement: SLCO2A1 is on the minus strand). VCF-style: chr3-133935846-A-C. GRCh37 (hg19) VCF-style: chr3-133654690-A-C.
Other names: short protein forms I581S.
Identifiers: ClinVar variation 1437013 (VCV001437013.5), dbSNP rs201986457, ClinGen allele CA2626331.

ClinVar aggregate classification (germline): Uncertain significance (1 of 4 stars; one submission).

Allele frequency attached by ClinVar (database versions not stated): ExAC 0.00001; gnomAD exomes 0.00001; TOPMed 0.00001.
gnomAD v4.1: 11 of 1,611,916 alleles (0.00068%); highest among the groups gnomAD compares: Non-Finnish European, 0.00059%; no homozygotes.

Submission:

Labcorp Genetics (formerly Invitae), Labcorp
Classification: Uncertain significance. Last evaluated: 2022-11-22. Review status: criteria provided, single submitter. Criteria: Invitae Variant Classification Sherloc (09022015). Collection method: clinical testing. Allele origin: germline.
Comment: In summary, the available evidence is currently insufficient to determine the role of this variant in disease. Therefore, it has been classified as a Variant of Uncertain Significance. Advanced modeling of protein sequence and biophysical properties (such as structural, functional, and spatial information, amino acid conservation, physicochemical variation, residue mobility, and thermodynamic stability) performed at Invitae indicates that this missense variant is not expected to disrupt SLCO2A1 protein function. ClinVar contains an entry for this variant (Variation ID: 1437013). This variant has not been reported in the literature in individuals affected with SLCO2A1-related conditions. This variant is present in population databases (rs201986457, gnomAD 0.02%). This sequence change replaces isoleucine, which is neutral and non-polar, with serine, which is neutral and polar, at codon 581 of the SLCO2A1 protein (p.Ile581Ser).